The following is an entry in ClinVar:

ClinVar aggregate classification (germline): Likely benign (1 of 4 stars; one submission).

gnomAD v4.1: 36 of 1,613,674 alleles (0.0022%); highest among the groups gnomAD compares: Non-Finnish European, 0.0029%; no homozygotes.

Submission:

CeGaT Center for Human Genetics Tuebingen
Classification: Likely benign. Last evaluated: 2025-09-01. Review status: criteria provided, single submitter. Criteria: CeGaT Center For Human Genetics Tuebingen Variant Classification Criteria Version 2. Collection method: clinical testing. Allele origin: germline. Affected: yes. Observed: 1 variant allele.
Comment: FLT4: BP4, BP7

NM_182925.5(FLT4):c.3654G>A (p.Pro1218=)

Gene: FLT4 (fms related receptor tyrosine kinase 4; minus strand). Cytogenetic location: 5q35.3.
Variant type: single nucleotide variant.
Coding change: c.3654G>A on transcript NM_182925.5 (MANE Select); coding-DNA position 3654, G replaced by A.
Protein change: p.Pro1218=; no amino-acid change (proline 1218 retained).
Molecular consequence: synonymous variant.
Genome position (GRCh38, 1-based): chr5:180,611,363, C>T on the plus strand (G>A on the coding strand, the complement: FLT4 is on the minus strand). VCF-style: chr5-180611363-C-T. GRCh37 (hg19) VCF-style: chr5-180038363-C-T.
Other names: c.3654G>A, p.Pro1218= (NM_001354989.2, NM_002020.5).
Identifiers: ClinVar variation 4280917 (VCV004280917.7).